The following is an entry in ClinVar:

ClinVar aggregate classification (germline): Likely pathogenic. Review status: criteria provided, multiple submitters, no conflicts (2 of 4 stars). 4 submissions from 4 submitters: Likely pathogenic (3). 1 of the submissions does not count toward it. Last evaluated 2025-12-11.

Conditions:
Combined deficiency of sialidase AND beta galactosidase (GSL). Also called: CATHEPSIN A DEFICIENCY; GOLDBERG SYNDROME; NEURAMINIDASE DEFICIENCY WITH BETA-GALACTOSIDASE DEFICIENCY; NEURAMINIDASE/BETA-GALACTOSIDASE EXPRESSION; PPCA DEFICIENCY; PROTECTIVE PROTEIN/CATHEPSIN A DEFICIENCY. Identifiers: Orphanet 351, MedGen C0268233, MONDO:0009737, OMIM 256540.
GALACTOSIALIDOSIS, LATE INFANTILE. Identifiers: MedGen C4017292.

Allele frequency attached by ClinVar (database versions not stated): ExAC 0.00001; gnomAD exomes 0.00001; gnomAD 0.00002.

Submissions (4):

Women's Health and Genetics/Laboratory Corporation of America, LabCorp
Classification: Likely pathogenic for Combined deficiency of sialidase AND beta galactosidase. Last evaluated: 2025-12-11. Review status: criteria provided, single submitter. Criteria: LabCorp Variant Classification Summary - May 2015. Collection method: clinical testing. Allele origin: germline.
Comment: Variant summary: CTSA c.1318T>G (p.Phe440Val) results in a non-conservative amino acid change in the encoded protein sequence. Algorithms developed to predict the effect of missense changes on protein structure and function all suggest that this variant is likely to be disruptive. The variant allele was found at a frequency of 8e-06 in 251430 control chromosomes (gnomAD). c.1318T>G has been reported in the literature in individuals affected with Galactosialidosis (examples: Zhou_1991, Zhou_1996). These data indicate that the variant may be associated with disease. At least one publication reports experimental evidence that this missense change affects CTSA function (Zhou_1991). The following publications have been ascertained in the context of this evaluation (PMID: 9435242, 1756715, 8968752). ClinVar contains an entry for this variant (Variation ID: 375). Based on the evidence outlined above, the variant was classified as likely pathogenic.

GeneDx
Classification: Likely pathogenic. Last evaluated: 2024-02-09. Review status: criteria provided, single submitter. Criteria: GeneDx Variant Classification Process June 2021. Collection method: clinical testing. Allele origin: germline. Affected: yes.
Comment: Published functional studies demonstrate a damaging effect (PMID: 1756715); Not observed at significant frequency in large population cohorts (gnomAD); Also known as p.(F412V); This variant is associated with the following publications: (PMID: 2148053, 9435242, 26659599, 20507906, 11212324, 1756715, 26147798, 28603679, 8968752, 23915561, 3149149)

Labcorp Genetics (formerly Invitae), Labcorp
Classification: Likely pathogenic for Combined deficiency of sialidase AND beta galactosidase. Last evaluated: 2023-12-05. Review status: criteria provided, single submitter. Criteria: Invitae Variant Classification Sherloc (09022015). Collection method: clinical testing. Allele origin: germline.
Comment: This sequence change replaces phenylalanine, which is neutral and non-polar, with valine, which is neutral and non-polar, at codon 458 of the CTSA protein (p.Phe458Val). This variant is present in population databases (rs137854540, gnomAD 0.004%). This missense change has been observed in individuals with galactosialidosis (PMID: 1756715, 8968752). This variant is also known as p.Phe412Val. ClinVar contains an entry for this variant (Variation ID: 375). An algorithm developed to predict the effect of missense changes on protein structure and function (PolyPhen-2) suggests that this variant is likely to be disruptive. Experimental studies have shown that this missense change affects CTSA function (PMID: 1756715). In summary, the currently available evidence indicates that the variant is pathogenic, but additional data are needed to prove that conclusively. Therefore, this variant has been classified as Likely Pathogenic.

OMIM
Classification: Pathogenic for GALACTOSIALIDOSIS, LATE INFANTILE. Last evaluated: 1996-12-01. Review status: no assertion criteria provided. Collection method: literature only. Allele origin: germline. Not counted in ClinVar's aggregate classification.

Literature cited by the submitters: PubMed 8968752 (cited by 3 submitters); PubMed 9435242 (cited by Women's Health and Genetics/Laboratory Corporation of America, LabCorp); PubMed 1756715 (cited by 3 submitters); PubMed 3149149 (cited by OMIM); PubMed 2148053 (cited by OMIM).

NM_000308.4(CTSA):c.1318T>G (p.Phe440Val)

Gene: CTSA (cathepsin A; plus strand). Cytogenetic location: 20q13.12.
Variant type: single nucleotide variant.
Coding change: c.1318T>G on transcript NM_000308.4 (MANE Select); coding-DNA position 1318, T replaced by G.
Protein change: p.Phe440Val; replaces phenylalanine 440 with valine.
Molecular consequence: missense variant. On other transcripts: non-coding transcript variant (1).
Genome position (GRCh38, 1-based): chr20:45,898,068, T>G. VCF-style: chr20-45898068-T-G. GRCh37 (hg19) VCF-style: chr20-44526707-T-G.
Other names: F412V; c.1318T>G, p.Phe440Val (NM_001127695.3); c.1267T>G, p.Phe423Val (NM_001167594.3); c.1372T>G (NM_000308.2); short protein forms F440V, F423V.
Identifiers: ClinVar variation 375 (VCV000000375.11), dbSNP rs137854540, ClinGen allele CA114202.